The following is an entry in ClinVar:

ClinVar aggregate classification (germline): Conflicting classifications of pathogenicity. Review status: criteria provided, conflicting classifications (1 of 4 stars). 3 submissions from 3 submitters: Uncertain significance (1); Likely benign (2). Last evaluated 2026-09-23.

Conditions:
CUL4B-related disorder. Also called: CUL4B-related condition.

Allele frequency attached by ClinVar (database versions not stated): gnomAD exomes 0.00001 and below 0.00001; ExAC 0.00002; TOPMed 0.00002; gnomAD 0.00005 and 0.00006.
gnomAD v4.1: 10 of 1,147,536 alleles (0.00087%); highest among the groups gnomAD compares: African/African-American, 0.018%; no homozygotes.

Submissions (3):

PreventionGenetics, part of Exact Sciences
Classification: Likely benign for CUL4B-related condition. Last evaluated: 2026-09-23. Review status: criteria provided, single submitter. Criteria: ACMG Guidelines, 2015. Collection method: clinical testing. Allele origin: germline.
Comment: This variant is classified as likely benign based on ACMG/AMP sequence variant interpretation guidelines (Richards et al. 2015 PMID: 25741868, with internal and published modifications).

Women's Health and Genetics/Laboratory Corporation of America, LabCorp
Classification: Uncertain significance. Last evaluated: 2023-09-14. Review status: criteria provided, single submitter. Criteria: LabCorp Variant Classification Summary - May 2015. Collection method: clinical testing. Allele origin: germline.
Comment: Variant summary: CUL4B c.*7G>A is located in the untranslated mRNA region downstream of the termination codon. The variant allele was found at a frequency of 1.1e-05 in 183015 control chromosomes. The available data on variant occurrences in the general population are insufficient to allow any conclusion about variant significance. To our knowledge, no occurrence of c.*7G>A in individuals affected with X-linked intellectual disability Cabezas type and no experimental evidence demonstrating its impact on protein function have been reported. One submitter has cited clinical-significance assessments for this variant to ClinVar after 2014 and has classified the variant as likely benign. Based on the evidence outlined above, the variant was classified as uncertain significance.

GeneDx
Classification: Likely benign. Last evaluated: 2020-05-18. Review status: criteria provided, single submitter. Criteria: GeneDx Variant Classification Process June 2021. Collection method: clinical testing. Allele origin: germline. Affected: yes.

NM_001079872.2(CUL4B):c.*7G>A

Gene: CUL4B (cullin 4B; minus strand). Cytogenetic location: Xq24.
Variant type: single nucleotide variant.
Coding change: c.*7G>A on transcript NM_001079872.2 (MANE Select); 7 bases downstream of the stop codon, G replaced by A.
Molecular consequence: 3 prime UTR variant.
Genome position (GRCh38, 1-based): chrX:120,526,754, C>T on the plus strand (G>A on the coding strand, the complement: CUL4B is on the minus strand). VCF-style: chrX-120526754-C-T. GRCh37 (hg19) VCF-style: chrX-119660609-C-T.
Other names: c.*7G>A (NM_001330624.2, NM_001369145.1, NM_003588.4).
Identifiers: ClinVar variation 388445 (VCV000388445.5), dbSNP rs769730471, ClinGen allele CA10505389.